The following is an entry in ClinVar:

ClinVar aggregate classification (germline): Uncertain significance (1 of 4 stars; one submission).

Allele frequency attached by ClinVar (database versions not stated): TOPMed below 0.00001; gnomAD exomes 0.00001.
gnomAD v4.1: 15 of 1,614,072 alleles (0.00093%); highest among the groups gnomAD compares: East Asian, 0.0022%; no homozygotes.

Submission:

Labcorp Genetics (formerly Invitae), Labcorp
Classification: Uncertain significance. Last evaluated: 2024-04-16. Review status: criteria provided, single submitter. Criteria: Invitae Variant Classification Sherloc (09022015). Collection method: clinical testing. Allele origin: germline.
Comment: This sequence change replaces isoleucine, which is neutral and non-polar, with methionine, which is neutral and non-polar, at codon 205 of the SLC10A2 protein (p.Ile205Met). This variant is present in population databases (no rsID available, gnomAD 0.002%). This variant has not been reported in the literature in individuals affected with SLC10A2-related conditions. Advanced modeling of protein sequence and biophysical properties (such as structural, functional, and spatial information, amino acid conservation, physicochemical variation, residue mobility, and thermodynamic stability) performed at Invitae indicates that this missense variant is not expected to disrupt SLC10A2 protein function with a negative predictive value of 80%. In summary, the available evidence is currently insufficient to determine the role of this variant in disease. Therefore, it has been classified as a Variant of Uncertain Significance.

NM_000452.3(SLC10A2):c.615T>G (p.Ile205Met)

Gene: SLC10A2 (solute carrier family 10 member 2; minus strand). Cytogenetic location: 13q33.1.
Variant type: single nucleotide variant.
Coding change: c.615T>G on transcript NM_000452.3 (MANE Select); coding-DNA position 615, T replaced by G.
Protein change: p.Ile205Met; replaces isoleucine 205 with methionine.
Molecular consequence: missense variant.
Genome position (GRCh38, 1-based): chr13:103,051,403, A>C on the plus strand (T>G on the coding strand, the complement: SLC10A2 is on the minus strand). VCF-style: chr13-103051403-A-C. GRCh37 (hg19) VCF-style: chr13-103703753-A-C.
Other names: short protein forms I205M.
Identifiers: ClinVar variation 2726746 (VCV002726746.3), dbSNP rs1399307844, ClinGen allele CA388606278.
Genomic context (GRCh38, chr13:103,051,403, plus strand): 5'-TTTGGGAGCAATGATCCAGGCGCTTTGGTACAATATTCCTCCAACCACAGCTATGAGCAC[A>C]ATGAGGATGGCGCCCGCGATGGACCCAATCTGAAAAAAAAAGGAATAAGTGAACCCAGCA-3'
Protein context (NP_000443.2, residues 195-215): KIGSIAGAIL[Ile205Met]VLIAVVGGIL